The following is an entry in ClinVar:

NM_022114.4(PRDM16):c.1787G>A (p.Ser596Asn)

Gene: PRDM16 (PR/SET domain 16; plus strand). Cytogenetic location: 1p36.32.
Variant type: single nucleotide variant.
Coding change: c.1787G>A on transcript NM_022114.4 (MANE Select); coding-DNA position 1787, G replaced by A.
Protein change: p.Ser596Asn; replaces serine 596 with asparagine.
Molecular consequence: missense variant.
Genome position (GRCh38, 1-based): chr1:3,411,984, G>A. VCF-style: chr1-3411984-G-A. GRCh37 (hg19) VCF-style: chr1-3328548-G-A.
Other names: c.1787G>A, p.Ser596Asn (NM_199454.3); short protein forms S596N.
Identifiers: ClinVar variation 4777486 (VCV004777486.1).

ClinVar aggregate classification (germline): Uncertain significance (1 of 4 stars; one submission).

Conditions:
Left ventricular noncompaction 8 (LVNC8). Identifiers: Orphanet 154, Orphanet 54260, MedGen C3809288, MONDO:0014152, OMIM 615373.

Submission:

Labcorp Genetics (formerly Invitae), Labcorp
Classification: Uncertain significance for Left ventricular noncompaction 8. Last evaluated: 2025-10-10. Review status: criteria provided, single submitter. Criteria: Invitae Variant Classification Sherloc (09022015). Collection method: clinical testing. Allele origin: germline.
Comment: This sequence change replaces serine, which is neutral and polar, with asparagine, which is neutral and polar, at codon 596 of the PRDM16 protein (p.Ser596Asn). This variant is not present in population databases (gnomAD no frequency). This variant has not been reported in the literature in individuals affected with PRDM16-related conditions. An algorithm developed to predict the effect of missense changes on protein structure and function (PolyPhen-2) suggests that this variant is likely to be tolerated. In summary, the available evidence is currently insufficient to determine the role of this variant in disease. Therefore, it has been classified as a Variant of Uncertain Significance.